The following is an entry in ClinVar:

ClinVar aggregate classification (germline): Uncertain significance. Review status: criteria provided, multiple submitters, no conflicts (2 of 4 stars). 2 submissions from 2 submitters: Uncertain significance (2). Last evaluated 2025-08-12.

Conditions:
Hereditary cancer-predisposing syndrome. Also called: Hereditary Cancer Syndrome; Tumor predisposition; Hereditary neoplastic syndrome; Neoplastic Syndromes, Hereditary. Identifiers: Orphanet 140162, MedGen C0027672, MeSH D009386, MONDO:0015356.
Gorlin syndrome. Also called: Basal cell nevus syndrome; Nevoid Basal Cell Carcinoma Syndrome. Identifiers: Orphanet 377, MedGen C0004779, MONDO:0007187.

Submissions (2):

Ambry Genetics
Classification: Uncertain significance for Hereditary cancer-predisposing syndrome. Last evaluated: 2025-08-12. Review status: criteria provided, single submitter. Criteria: Ambry Variant Classification Scheme 2023. Collection method: clinical testing. Allele origin: germline.
Comment: The p.N194Y variant (also known as c.580A>T), located in coding exon 3 of the PTCH1 gene, results from an A to T substitution at nucleotide position 580. The asparagine at codon 194 is replaced by tyrosine, an amino acid with dissimilar properties. This amino acid position is conserved. In addition, this alteration is predicted to be deleterious by in silico analysis. Based on the available evidence, the clinical significance of this variant remains unclear.

Labcorp Genetics (formerly Invitae), Labcorp
Classification: Uncertain significance for Gorlin syndrome. Last evaluated: 2024-11-18. Review status: criteria provided, single submitter. Criteria: Invitae Variant Classification Sherloc (09022015). Collection method: clinical testing. Allele origin: germline.
Comment: This sequence change replaces asparagine, which is neutral and polar, with tyrosine, which is neutral and polar, at codon 194 of the PTCH1 protein (p.Asn194Tyr). This variant is not present in population databases (gnomAD no frequency). This variant has not been reported in the literature in individuals affected with PTCH1-related conditions. Invitae Evidence Modeling of protein sequence and biophysical properties (such as structural, functional, and spatial information, amino acid conservation, physicochemical variation, residue mobility, and thermodynamic stability) has been performed for this missense variant. However, the output from this modeling did not meet the statistical confidence thresholds required to predict the impact of this variant on PTCH1 protein function. In summary, the available evidence is currently insufficient to determine the role of this variant in disease. Therefore, it has been classified as a Variant of Uncertain Significance.

NM_000264.5(PTCH1):c.580A>T (p.Asn194Tyr)

Gene: PTCH1 (patched 1; minus strand). Cytogenetic location: 9q22.32.
Variant type: single nucleotide variant.
Coding change: c.580A>T on transcript NM_000264.5 (MANE Select); coding-DNA position 580, A replaced by T.
Protein change: p.Asn194Tyr; replaces asparagine 194 with tyrosine.
Molecular consequence: missense variant. On other transcripts: non-coding transcript variant (1).
Genome position (GRCh38, 1-based): chr9:95,485,689, T>A on the plus strand (A>T on the coding strand, the complement: PTCH1 is on the minus strand). VCF-style: chr9-95485689-T-A. GRCh37 (hg19) VCF-style: chr9-98247971-T-A.
Other names: c.382A>T, p.Asn128Tyr (NM_001083602.3, NM_001354919.2); c.577A>T, p.Asn193Tyr (NM_001083603.3); c.127A>T, p.Asn43Tyr (NM_001083604.3, NM_001083605.3, NM_001083606.3 and 1 more transcripts); c.580A>T, p.Asn194Tyr (NM_001354918.2); short protein forms N128Y, N43Y, N193Y, N194Y.
Identifiers: ClinVar variation 3670501 (VCV003670501.3).